The following is an entry in ClinVar:

ClinVar aggregate classification (germline): Uncertain significance (1 of 4 stars; one submission).

Submission:

GeneDx
Classification: Uncertain significance. Last evaluated: 2023-11-20. Review status: criteria provided, single submitter. Criteria: GeneDx Variant Classification Process June 2021. Collection method: clinical testing. Allele origin: germline. Affected: yes.
Comment: Not observed at significant frequency in large population cohorts (gnomAD); In silico analysis supports that this missense variant has a deleterious effect on protein structure/function; Has not been previously published as pathogenic or benign to our knowledge; This variant is associated with the following publications: (PMID: 8906794)

NM_000264.5(PTCH1):c.2755T>C (p.Phe919Leu)

Gene: PTCH1 (patched 1; minus strand). Cytogenetic location: 9q22.32.
Variant type: single nucleotide variant.
Coding change: c.2755T>C on transcript NM_000264.5 (MANE Select); coding-DNA position 2755, T replaced by C.
Protein change: p.Phe919Leu; replaces phenylalanine 919 with leucine.
Molecular consequence: missense variant. On other transcripts: non-coding transcript variant (1).
Genome position (GRCh38, 1-based): chr9:95,459,732, A>G on the plus strand (T>C on the coding strand, the complement: PTCH1 is on the minus strand). VCF-style: chr9-95459732-A-G. GRCh37 (hg19) VCF-style: chr9-98222014-A-G.
Other names: c.2557T>C, p.Phe853Leu (NM_001083602.3); c.2752T>C, p.Phe918Leu (NM_001083603.3); c.2302T>C, p.Phe768Leu (NM_001083604.3, NM_001083605.3, NM_001083606.3 and 1 more transcripts); c.2599T>C, p.Phe867Leu (NM_001354918.2); short protein forms F768L, F853L, F867L, F918L, F919L.
Identifiers: ClinVar variation 3364681 (VCV003364681.1).